The following is an entry in ClinVar:

NM_001276345.2(TNNT2):c.151A>T (p.Thr51Ser)

Gene: TNNT2 (troponin T2, cardiac type; minus strand). Cytogenetic location: 1q32.1.
Variant type: single nucleotide variant.
Coding change: c.151A>T on transcript NM_001276345.2 (MANE Select); coding-DNA position 151, A replaced by T.
Protein change: p.Thr51Ser; replaces threonine 51 with serine.
Molecular consequence: missense variant.
Genome position (GRCh38, 1-based): chr1:201,368,174, T>A on the plus strand (A>T on the coding strand, the complement: TNNT2 is on the minus strand). VCF-style: chr1-201368174-T-A. GRCh37 (hg19) VCF-style: chr1-201337302-T-A.
Other names: c.151A>T, p.Thr51Ser (NM_000364.4, NM_001276346.2, NM_001406723.1); c.121A>T, p.Thr41Ser (NM_001001430.3, NM_001001431.3, NM_001276347.2 and 4 more transcripts); c.106A>T, p.Thr36Ser (NM_001001432.3, NM_001406728.1); short protein forms T36S, T41S, T51S.
Identifiers: ClinVar variation 3761243 (VCV003761243.2).
Genomic context (GRCh38, chr1:201,368,174, plus strand): 5'-GGCTCTCGCCACCCCCTGAGGCCCCTGCACCCTCAACCAGAGACTTACCTTCTGCCCTGG[T>A]CTCCTCGGTCTCAGCCTCTGCTTCAGCATCCTCTTCCGCTGCCTCCTCCTGCTCTGGAGA-3'
Protein context (NP_001263274.1, residues 41-61): DAEAEAETEE[Thr51Ser]RAEEDEEEEE

ClinVar aggregate classification (germline): Uncertain significance (1 of 4 stars; one submission).

Conditions:
Hypertrophic cardiomyopathy 2. Also called: TNNT2-Related Familial Hypertrophic Cardiomyopathy. Identifiers: MedGen C1861864, MONDO:0007266, OMIM 115195.
Dilated cardiomyopathy 1D. Identifiers: Orphanet 154, Orphanet 54260, MedGen C1832243, MONDO:0011095, OMIM 601494.
Cardiomyopathy, familial restrictive, 3. Identifiers: Orphanet 75249, MedGen C2676271, MONDO:0012900, OMIM 612422.

gnomAD v4.1: 2 of 1,614,078 alleles (0.00012%); highest among the groups gnomAD compares: Non-Finnish European, 0.00017%; no homozygotes.

Submission:

Labcorp Genetics (formerly Invitae), Labcorp
Classification: Uncertain significance for Cardiomyopathy, familial restrictive, 3; Hypertrophic cardiomyopathy 2; Dilated cardiomyopathy 1D. Last evaluated: 2024-06-06. Review status: criteria provided, single submitter. Criteria: Invitae Variant Classification Sherloc (09022015). Collection method: clinical testing. Allele origin: germline.
Comment: This sequence change replaces threonine, which is neutral and polar, with serine, which is neutral and polar, at codon 41 of the TNNT2 protein (p.Thr41Ser). This variant is not present in population databases (gnomAD no frequency). This variant has not been reported in the literature in individuals affected with TNNT2-related conditions. Algorithms developed to predict the effect of missense changes on protein structure and function output the following: SIFT: "Not Available"; PolyPhen-2: "Not Available"; Align-GVGD: "Not Available". The serine amino acid residue is found in multiple mammalian species, which suggests that this missense change does not adversely affect protein function. In summary, the available evidence is currently insufficient to determine the role of this variant in disease. Therefore, it has been classified as a Variant of Uncertain Significance.